The following is an entry in ClinVar:

ClinVar aggregate classification (germline): Uncertain significance (1 of 4 stars; one submission).

Conditions:
Muscular dystrophy-dystroglycanopathy (congenital with impaired intellectual development), type B, 1. Also called: MUSCULAR DYSTROPHY, CONGENITAL, POMT1-RELATED; Muscular dystrophy-dystroglycanopathy (congenital with intellectual disability), type B1. Identifiers: MedGen C5436962, MONDO:0013159, OMIM 613155.
Walker-Warburg congenital muscular dystrophy. Also called: Muscular dystrophy-dystroglycanopathy, type A; Walker-Warburg syndrome. Identifiers: Orphanet 899, MedGen C0265221, MONDO:0000171.
Autosomal recessive limb-girdle muscular dystrophy type 2K. Also called: MUSCULAR DYSTROPHY-DYSTROGLYCANOPATHY (LIMB-GIRDLE), TYPE C, 1; MUSCULAR DYSTROPHY, LIMB-GIRDLE, TYPE 2K. Identifiers: Orphanet 86812, MedGen C1836373, MONDO:0012248, OMIM 609308.

gnomAD v4.1: 3 of 1,614,192 alleles (0.00019%); highest among the groups gnomAD compares: Non-Finnish European, 0.00017%; no homozygotes.

Submission:

Labcorp Genetics (formerly Invitae), Labcorp
Classification: Uncertain significance for Muscular dystrophy-dystroglycanopathy (congenital with impaired intellectual development), type B, 1; Walker-Warburg congenital muscular dystrophy; Autosomal recessive limb-girdle muscular dystrophy type 2K. Last evaluated: 2025-04-08. Review status: criteria provided, single submitter. Criteria: Invitae Variant Classification Sherloc (09022015). Collection method: clinical testing. Allele origin: germline.
Comment: This sequence change replaces alanine, which is neutral and non-polar, with valine, which is neutral and non-polar, at codon 589 of the POMT1 protein (p.Ala589Val). This variant is not present in population databases (gnomAD no frequency). This variant has not been reported in the literature in individuals affected with POMT1-related conditions. ClinVar contains an entry for this variant (Variation ID: 3748241). An algorithm developed to predict the effect of missense changes on protein structure and function (PolyPhen-2) suggests that this variant is likely to be tolerated. In summary, the available evidence is currently insufficient to determine the role of this variant in disease. Therefore, it has been classified as a Variant of Uncertain Significance.

NM_001077365.2(POMT1):c.1700C>T (p.Ala567Val)

Gene: POMT1 (protein O-mannosyltransferase 1; plus strand). Cytogenetic location: 9q34.13.
Variant type: single nucleotide variant.
Coding change: c.1700C>T on transcript NM_001077365.2 (MANE Select); coding-DNA position 1700, C replaced by T.
Protein change: p.Ala567Val; replaces alanine 567 with valine.
Molecular consequence: missense variant. On other transcripts: non-coding transcript variant (10).
Genome position (GRCh38, 1-based): chr9:131,521,347, C>T. VCF-style: chr9-131521347-C-T. GRCh37 (hg19) VCF-style: chr9-134396734-C-T.
Other names: c.569C>T, p.Ala190Val (NM_001411024.1); c.1766C>T, p.Ala589Val (NM_007171.4, NM_001353193.2); c.1538C>T, p.Ala513Val (NM_001077366.2, NM_001353194.2); c.1700C>T, p.Ala567Val (NM_001136113.2); c.1349C>T, p.Ala450Val (NM_001136114.2, NM_001353195.2, NM_001374691.1 and 2 more transcripts); c.1610C>T, p.Ala537Val (NM_001353196.2); c.1604C>T, p.Ala535Val (NM_001353197.2, NM_001353198.2); c.1415C>T, p.Ala472Val (NM_001353199.2); and 4 more; short protein forms A190V, A415V, A437V, A450V, A472V, A494V, A513V, A535V.
Identifiers: ClinVar variation 3748241 (VCV003748241.2).